The following is an entry in ClinVar:

NM_002585.4(PBX1):c.395_396dup (p.Ala133fs)

Gene: PBX1 (PBX homeobox 1; plus strand). Cytogenetic location: 1q23.3.
Variant type: Duplication.
Coding change: c.395_396dup on transcript NM_002585.4 (MANE Select); coding-DNA positions 395 to 396, 2 bases duplicated (CG; older notation c.395_396dupCG).
Protein change: p.Ala133fs; shifts the reading frame from alanine 133.
Molecular consequence: frameshift variant.
Genome position (GRCh38, 1-based): chr1:164,792,623-164,792,624, CG duplicated; duplicating any 2 consecutive bases within chr1:164,792,622-164,792,624 gives the same sequence; the c. name uses the placement nearest the transcript's 3' end. VCF-style (leftmost placement, unchanged base first): chr1-164792621-A-AGC. GRCh37 (hg19) VCF-style: chr1-164761858-A-AGC.
Other names: c.395_396dup, p.Ala133fs (NM_001204961.2, NM_001204963.2, NM_001353131.2); c.146_147dup, p.Ala50fs (NM_001353130.1); short protein forms A133fs, A50fs.
Identifiers: ClinVar variation 4131524 (VCV004131524.1).

ClinVar aggregate classification (germline): Pathogenic (1 of 4 stars; one submission).

Conditions:
Inborn genetic diseases. Identifiers: MedGen C0950123, MeSH D030342.

Submission:

Ambry Genetics
Classification: Pathogenic for Inborn genetic diseases. Last evaluated: 2025-07-31. Review status: criteria provided, single submitter. Criteria: Ambry Variant Classification Scheme 2023. Collection method: clinical testing. Allele origin: germline.
Comment: The c.395_396dupCG (p.A133Rfs*48) alteration, located in exon 3 (coding exon 3) of the PBX1 gene, consists of a duplication of CG at position 395, causing a translational frameshift with a predicted alternate stop codon after 48 amino acids. This alteration is expected to result in loss of function by premature protein truncation or nonsense-mediated mRNA decay. This variant was not reported in population-based cohorts in the Genome Aggregation Database (gnomAD). Based on the available evidence, this alteration is classified as pathogenic.